The following is an entry in ClinVar:

NM_007186.6(CEP250):c.2078A>G (p.Gln693Arg)

Genes: CEP250 (centrosomal protein 250; plus strand), CEP250-AS1 (CEP250 antisense RNA 1; minus strand). Cytogenetic location: 20q11.22.
Variant type: single nucleotide variant.
Coding change: c.2078A>G on transcript NM_007186.6 (MANE Select); coding-DNA position 2078, A replaced by G.
Protein change: p.Gln693Arg; replaces glutamine 693 with arginine.
Molecular consequence: missense variant.
Genome position (GRCh38, 1-based): chr20:35,478,085, A>G. VCF-style: chr20-35478085-A-G. GRCh37 (hg19) VCF-style: chr20-34065910-A-G.
Other names: c.182A>G, p.Gln61Arg (NM_001318219.1); short protein forms Q61R, Q693R.
Identifiers: ClinVar variation 969337 (VCV000969337.10), dbSNP rs375021604, ClinGen allele CA9833089.

ClinVar aggregate classification (germline): Uncertain significance (1 of 4 stars; one submission).

Allele frequency attached by ClinVar (database versions not stated): gnomAD 0.00001; TOPMed 0.00001; ExAC 0.00004; ESP Exome Variant Server 0.00008.
gnomAD v4.1: 11 of 1,613,428 alleles (0.00068%); highest among the groups gnomAD compares: African/African-American, 0.0013%; no homozygotes.

Submission:

Labcorp Genetics (formerly Invitae), Labcorp
Classification: Uncertain significance. Last evaluated: 2022-09-13. Review status: criteria provided, single submitter. Criteria: Invitae Variant Classification Sherloc (09022015). Collection method: clinical testing. Allele origin: germline.
Comment: ClinVar contains an entry for this variant (Variation ID: 969337). This variant has not been reported in the literature in individuals affected with CEP250-related conditions. This variant is present in population databases (rs375021604, gnomAD 0.004%). This sequence change replaces glutamine, which is neutral and polar, with arginine, which is basic and polar, at codon 693 of the CEP250 protein (p.Gln693Arg). Algorithms developed to predict the effect of missense changes on protein structure and function are either unavailable or do not agree on the potential impact of this missense change (SIFT: "Not Available"; PolyPhen-2: "Possibly Damaging"; Align-GVGD: "Not Available"). In summary, the available evidence is currently insufficient to determine the role of this variant in disease. Therefore, it has been classified as a Variant of Uncertain Significance.